The following is an entry in ClinVar:

NM_000384.3(APOB):c.2713T>C (p.Phe905Leu)

Gene: APOB (apolipoprotein B; minus strand). Cytogenetic location: 2p24.1.
Variant type: single nucleotide variant.
Coding change: c.2713T>C on transcript NM_000384.3 (MANE Select); coding-DNA position 2713, T replaced by C.
Protein change: p.Phe905Leu; replaces phenylalanine 905 with leucine.
Molecular consequence: missense variant.
Genome position (GRCh38, 1-based): chr2:21,022,934, A>G on the plus strand (T>C on the coding strand, the complement: APOB is on the minus strand). VCF-style: chr2-21022934-A-G. GRCh37 (hg19) VCF-style: chr2-21245806-A-G.
Other names: short protein forms F905L.
Identifiers: ClinVar variation 3762165 (VCV003762165.2), dbSNP rs61747361.

ClinVar aggregate classification (germline): Uncertain significance (1 of 4 stars; one submission).

Conditions:
Familial hypobetalipoproteinemia 1. Also called: APOB-Related Familial Hypobetalipoproteinemia; Hypobetalipoproteinemia, normotriglyceridemic; Acanthocytosis with hypobetalipoproteinemia. Identifiers: MedGen C4551990, MONDO:0014252, OMIM 615558.
Hypercholesterolemia, autosomal dominant, type B (FHCL2). Also called: Familial Hypercholesterolemia Type B; APOLIPOPROTEIN B-100, FAMILIAL DEFECTIVE; APOLIPOPROTEIN B-100, FAMILIAL LIGAND-DEFECTIVE; HYPERCHOLESTEROLEMIA, FAMILIAL, DUE TO LIGAND-DEFECTIVE APOLIPOPROTEIN B; Hyperlipoproteinemia Type IIb; Familial hypercholesterolemia 2. Identifiers: MedGen C1704417, MONDO:0007751, OMIM 144010.

Allele frequency attached by ClinVar (database versions not stated): ExAC 0.00001; gnomAD exomes 0.00001; TOPMed 0.00001.
gnomAD v4.1: 9 of 1,614,174 alleles (0.00056%); highest among the groups gnomAD compares: Non-Finnish European, 0.00076%; no homozygotes.

Submission:

Labcorp Genetics (formerly Invitae), Labcorp
Classification: Uncertain significance for Familial hypobetalipoproteinemia 1; Hypercholesterolemia, autosomal dominant, type B. Last evaluated: 2024-02-20. Review status: criteria provided, single submitter. Criteria: Invitae Variant Classification Sherloc (09022015). Collection method: clinical testing. Allele origin: germline.
Comment: This sequence change replaces phenylalanine, which is neutral and non-polar, with leucine, which is neutral and non-polar, at codon 905 of the APOB protein (p.Phe905Leu). This variant is present in population databases (rs61747361, gnomAD 0.002%). This variant has not been reported in the literature in individuals affected with APOB-related conditions. Advanced modeling of protein sequence and biophysical properties (such as structural, functional, and spatial information, amino acid conservation, physicochemical variation, residue mobility, and thermodynamic stability) performed at Invitae indicates that this missense variant is not expected to disrupt APOB protein function with a negative predictive value of 95%. In summary, the available evidence is currently insufficient to determine the role of this variant in disease. Therefore, it has been classified as a Variant of Uncertain Significance.